The following is an entry in ClinVar:

ClinVar aggregate classification (germline): Uncertain significance. Review status: criteria provided, multiple submitters, no conflicts (2 of 4 stars). 2 submissions from 2 submitters: Uncertain significance (2). Last evaluated 2022-10-26.

Conditions:
Familial hemophagocytic lymphohistiocytosis 5. Also called: STXBP2-Related Familial Hemophagocytic Lymphohistiocytosis (STXBP2-fHLH). Identifiers: Orphanet 540, MedGen C2751293, MONDO:0013135, OMIM 613101.

Allele frequency attached by ClinVar (database versions not stated): ExAC 0.00002; gnomAD exomes 0.00004 and 0.00008; TOPMed 0.00005; gnomAD 0.00006.
gnomAD v4.1: 123 of 1,614,008 alleles (0.0076%); highest among the groups gnomAD compares: Non-Finnish European, 0.01%; 1 homozygote.

Submissions (2):

Labcorp Genetics (formerly Invitae), Labcorp
Classification: Uncertain significance for Familial hemophagocytic lymphohistiocytosis 5. Last evaluated: 2022-10-26. Review status: criteria provided, single submitter. Criteria: Invitae Variant Classification Sherloc (09022015). Collection method: clinical testing. Allele origin: germline.
Comment: This sequence change replaces alanine, which is neutral and non-polar, with valine, which is neutral and non-polar, at codon 214 of the STXBP2 protein (p.Ala214Val). This variant is present in population databases (rs746329841, gnomAD 0.01%). This variant has not been reported in the literature in individuals affected with STXBP2-related conditions. ClinVar contains an entry for this variant (Variation ID: 1352964). Advanced modeling of protein sequence and biophysical properties (such as structural, functional, and spatial information, amino acid conservation, physicochemical variation, residue mobility, and thermodynamic stability) has been performed at Invitae for this missense variant, however the output from this modeling did not meet the statistical confidence thresholds required to predict the impact of this variant on STXBP2 protein function. Algorithms developed to predict the effect of sequence changes on RNA splicing suggest that this variant may disrupt the consensus splice site. In summary, the available evidence is currently insufficient to determine the role of this variant in disease. Therefore, it has been classified as a Variant of Uncertain Significance.

Blueprint Genetics
Classification: Uncertain significance. Last evaluated: 2019-04-24. Review status: criteria provided, single submitter. Criteria: ACMG Guidelines, 2015. Collection method: clinical testing. Allele origin: germline.

NM_006949.4(STXBP2):c.641C>T (p.Ala214Val)

Gene: STXBP2 (syntaxin binding protein 2; plus strand). Cytogenetic location: 19p13.2.
Variant type: single nucleotide variant.
Coding change: c.641C>T on transcript NM_006949.4 (MANE Select); coding-DNA position 641, C replaced by T.
Protein change: p.Ala214Val; replaces alanine 214 with valine.
Molecular consequence: missense variant. On other transcripts: non-coding transcript variant (1).
Genome position (GRCh38, 1-based): chr19:7,642,096, C>T. VCF-style: chr19-7642096-C-T. GRCh37 (hg19) VCF-style: chr19-7706982-C-T.
Other names: c.632C>T, p.Ala211Val (NM_001127396.3); c.674C>T, p.Ala225Val (NM_001272034.2); short protein forms A214V, A211V, A225V.
Identifiers: ClinVar variation 1352964 (VCV001352964.6), dbSNP rs746329841, ClinGen allele CA9143738.